The following is an entry in ClinVar:

NM_001377265.1(MAPT):c.1059G>C (p.Glu353Asp)

Gene: MAPT (microtubule associated protein tau). Cytogenetic location: 17q21.31.
Variant type: single nucleotide variant.
Coding change: c.1059G>C on transcript NM_001377265.1 (MANE Select); coding-DNA position 1059, G replaced by C.
Protein change: p.Glu353Asp; replaces glutamic acid 353 with aspartic acid.
Molecular consequence: missense variant. On other transcripts: intron variant (8).
Genome position (GRCh38, 1-based): chr17:45,983,638, G>C. VCF-style: chr17-45983638-G-C. GRCh37 (hg19) VCF-style: chr17-44061004-G-C.
Other names: c.834G>C, p.Glu278Asp (NM_001123066.4, NM_016835.5); c.1059G>C, p.Glu353Asp (NM_001377266.1); c.200-3402G>C (NM_001377268.1, NM_016834.5, NM_016841.5); c.374-3402G>C (NM_005910.6, NM_001203252.2); c.287-3402G>C (NM_001123067.4, NM_001203251.2, NM_001377267.1); short protein forms E278D, E353D.
Identifiers: ClinVar variation 161705 (VCV000161705.2), dbSNP rs193920969, ClinGen allele CA174631.

ClinVar aggregate classification (germline): Uncertain significance (0 of 4 stars; one submission).

Conditions:
Prostate cancer. Also called: Malignant tumor of prostate. Identifiers: Orphanet 1331, MedGen C0376358, MONDO:0008315, HP:0012125.

Submission:

Science for Life laboratory,  Karolinska Institutet
Classification: Uncertain significance for Malignant tumor of prostate. Review status: no assertion criteria provided. Collection method: not provided. Allele origin: somatic.
Comment: TumorID:SWE-3
ClinVar note: Converted during submission from Unknown to Uncertain significance.